The following is an entry in ClinVar:

ClinVar aggregate classification (germline): Likely benign. Review status: reviewed by expert panel (3 of 4 stars). 3 submissions from 3 submitters: Likely benign (1). 2 of the submissions do not count toward it. Last evaluated 2022-03-17.

Conditions:
Hereditary thrombocytopenia and hematological cancer predisposition syndrome associated with RUNX1. Also called: PLATELET DISORDER, ASPIRIN-LIKE; RUNX1 Familial Platelet Disorder with Associated Myeloid Malignancies; Familial Platelet Disorder with Propensity to Acute Myelogenous Leukemia; Familial thrombocytopenia with propensity to acute myelogenous leukemia. Identifiers: Orphanet 71290, MedGen C1832388, MeSH C563324, MONDO:0100083, OMIM 601399.
Inborn genetic diseases. Identifiers: MedGen C0950123, MeSH D030342.
Hereditary thrombocytopenia and hematologic cancer predisposition syndrome. Identifiers: Orphanet 71290, MedGen CN281654, MONDO:0011071.

Allele frequency attached by ClinVar (database versions not stated): gnomAD 0.00001.
gnomAD v4.1: 8 of 1,606,108 alleles (0.0005%); highest among the groups gnomAD compares: African/African-American, 0.0013%; no homozygotes.

Submissions (3):

ClinGen Myeloid Malignancy Variant Curation Expert Panel
Classification: Likely benign for Hereditary thrombocytopenia and hematologic cancer predisposition syndrome. Last evaluated: 2022-03-17. Review status: reviewed by expert panel. Criteria: ClinGen MyeloMalig ACMG Specifications v2. Collection method: curation. Allele origin: germline. Inheritance: Autosomal dominant inheritance.
Comment: NM_001754.5(RUNX1):c.1014G>A (p.Ala338=) is a synonymous variant that has a SpliceAI score of 0.00 (≤0.20) and no REVEL score applicable. Evolutionary conservation prediction algorithms predict the site as not being conserved (PhyloP score -0.33< 2.0). In summary, this variant meets criteria to be classified as likely benign. ACMG/AMP criteria applied, as specified by the Myeloid Malignancy Variant Curation Expert Panel for RUNX1: BP4 and BP7.

Ambry Genetics
Classification: Likely benign for Inborn genetic diseases. Last evaluated: 2024-12-26. Review status: criteria provided, single submitter. Criteria: Ambry Variant Classification Scheme 2023. Collection method: clinical testing. Allele origin: germline. Not counted in ClinVar's aggregate classification.

Labcorp Genetics (formerly Invitae), Labcorp
Classification: Likely benign for Hereditary thrombocytopenia and hematological cancer predisposition syndrome associated with RUNX1. Last evaluated: 2024-04-16. Review status: criteria provided, single submitter. Criteria: Invitae Variant Classification Sherloc (09022015). Collection method: clinical testing. Allele origin: germline. Not counted in ClinVar's aggregate classification.

NM_001754.5(RUNX1):c.1014G>A (p.Ala338=)

Gene: RUNX1 (RUNX family transcription factor 1; minus strand). Cytogenetic location: 21q22.12.
Variant type: single nucleotide variant.
Coding change: c.1014G>A on transcript NM_001754.5 (MANE Select); coding-DNA position 1014, G replaced by A.
Protein change: p.Ala338=; no amino-acid change (alanine 338 retained).
Molecular consequence: synonymous variant.
Genome position (GRCh38, 1-based): chr21:34,792,564, C>T on the plus strand (G>A on the coding strand, the complement: RUNX1 is on the minus strand). VCF-style: chr21-34792564-C-T. GRCh37 (hg19) VCF-style: chr21-36164861-C-T.
Other names: NM_001754.5(RUNX1):c.1014G>A; p.Ala338=; c.933G>A, p.Ala311= (NM_001001890.3); c.1014G>A (NM_001754.4).
Identifiers: ClinVar variation 1106924 (VCV001106924.11), dbSNP rs2056460323, ClinGen allele CA512341373.
Genomic context (GRCh38, chr21:34,792,564, plus strand): 5'-CGTCGGGGAGTAGGTGAAGGCGCCTGGATAGTGCATGCGGGGGTCGGAGATGGAGGGCAG[C>T]GCGGGGAACTGGCGCGGGTCGCTGAACGCTGTCAGGTCGGGTGCCGCTGCAGGGCGGGCA-3'
Protein context (NP_001745.2, residues 328-348): TAFSDPRQFP[Ala338=]LPSISDPRMH